The following is an entry in ClinVar:

NM_001256627.2(BRSK2):c.1076-3C>T

Gene: BRSK2 (BR serine/threonine kinase 2; plus strand). Cytogenetic location: 11p15.5.
Variant type: single nucleotide variant.
Coding change: c.1076-3C>T on transcript NM_001256627.2 (MANE Select); 3 bases into the intron before coding-DNA position 1076, C replaced by T.
Molecular consequence: intron variant.
Genome position (GRCh38, 1-based): chr11:1,445,754, C>T. VCF-style: chr11-1445754-C-T. GRCh37 (hg19) VCF-style: chr11-1466984-C-T.
Other names: c.1076-3C>T (NM_001256629.2, NM_003957.4, NM_001256627.1); c.896-3C>T (NM_001282218.2); c.1214-3C>T (NM_001256630.1).
Identifiers: ClinVar variation 1694582 (VCV001694582.31), dbSNP rs1851967297, ClinGen allele CA1947666653.

ClinVar aggregate classification (germline): Uncertain significance. Review status: criteria provided, single submitter (1 of 4 stars). 2 submissions from 2 submitters: Uncertain significance (1). 1 of the submissions does not count toward it. Last evaluated 2022-05-01.

Conditions:
BRSK2-related disorder. Also called: BRSK2-related condition; BRSK2-Related Disorders.

Allele frequency attached by ClinVar (database versions not stated): gnomAD exomes 0.00001.
gnomAD v4.1: 7 of 1,611,714 alleles (0.00043%); highest among the groups gnomAD compares: South Asian, 0.0066%; no homozygotes.

Submissions (2):

CeGaT Center for Human Genetics Tuebingen
Classification: Uncertain significance. Last evaluated: 2022-05-01. Review status: criteria provided, single submitter. Criteria: CeGaT Center For Human Genetics Tuebingen Variant Classification Criteria Version 2. Collection method: clinical testing. Allele origin: germline. Affected: yes. Observed: 1 variant allele.
Comment: BRSK2: PM2, BP4

PreventionGenetics, part of Exact Sciences
Classification: Likely benign for BRSK2-related condition. Last evaluated: 2024-08-07. Review status: no assertion criteria provided. Collection method: clinical testing. Allele origin: germline. Not counted in ClinVar's aggregate classification.
Comment: This variant is classified as likely benign based on ACMG/AMP sequence variant interpretation guidelines (Richards et al. 2015 PMID: 25741868, with internal and published modifications).